The following is an entry in ClinVar:

ClinVar aggregate classification (germline): Pathogenic (1 of 4 stars; one submission).

Conditions:
Hypophosphatasia. Also called: Phosphoethanol-aminuria. Identifiers: Orphanet 436, MedGen C0020630, MeSH D007014, MONDO:0018570.

Submission:

Genomenon, Inc
Classification: Pathogenic for Hypophosphatasia. Last evaluated: 2025-08-29. Review status: criteria provided, single submitter. Criteria: Genomenon Sequence Variant Interpretation Standards. Collection method: curation. Allele origin: germline. Affected: yes.
Comment: ALPL p.Tyr285Ter (c.850_853dup) is a nonsense variant that introduces a premature stop codon at amino acid position 285, creating a truncated protein that is predicted to undergo nonsense-mediated mRNA decay. This variant has been observed in at least one proband affected with hypophosphatasia (PMID:15660230). It is absent or not present at a significant frequency in gnomAD. In conclusion, we classify ALPL p.Tyr285Ter (c.850_853dup) as a pathogenic variant.

Literature cited by the submitters: PubMed 15660230.

NM_000478.6(ALPL):c.850_853dup (p.Tyr285Ter)

Gene: ALPL (alkaline phosphatase, biomineralization associated; plus strand). Cytogenetic location: 1p36.12.
Variant type: Duplication.
Coding change: c.850_853dup on transcript NM_000478.6 (MANE Select); coding-DNA positions 850 to 853, 4 bases duplicated (GACT; older notation c.850_853dupGACT).
Protein change: p.Tyr285Ter; replaces tyrosine 285 with a stop codon.
Molecular consequence: nonsense.
Genome position (GRCh38, 1-based): chr1:21,570,362-21,570,365, GACT duplicated. VCF-style (leftmost placement, unchanged base first): chr1-21570361-G-GGACT. GRCh37 (hg19) VCF-style: chr1-21896854-G-GGACT.
Other names: c.685_688dup, p.Tyr230Ter (NM_001127501.4); c.619_622dup, p.Tyr208Ter (NM_001177520.3); c.850_853dup, p.Tyr285Ter (NM_001369803.2, NM_001369804.2, NM_001369805.2); short protein forms Y208*, Y230*, Y285*.
Identifiers: ClinVar variation 4086834 (VCV004086834.1).